The following is an entry in ClinVar:

ClinVar aggregate classification (germline): Uncertain significance (1 of 4 stars; one submission).

Conditions:
Charcot-Marie-Tooth disease type 2. Also called: Charcot-Marie-Tooth type 2. Identifiers: Orphanet 64746, MedGen C0270914, MONDO:0018993.

Allele frequency attached by ClinVar (database versions not stated): TOPMed below 0.00001; gnomAD exomes below 0.00001.
gnomAD v4.1: 7 of 1,589,798 alleles (0.00044%); highest among the groups gnomAD compares: East Asian, 0.0023%; no homozygotes.

Submission:

Labcorp Genetics (formerly Invitae), Labcorp
Classification: Uncertain significance for Charcot-Marie-Tooth disease type 2. Last evaluated: 2020-02-22. Review status: criteria provided, single submitter. Criteria: Invitae Variant Classification Sherloc (09022015). Collection method: clinical testing. Allele origin: germline.
Comment: This variant is not present in population databases (ExAC no frequency). In summary, the available evidence is currently insufficient to determine the role of this variant in disease. Therefore, it has been classified as a Variant of Uncertain Significance. Algorithms developed to predict the effect of sequence changes on RNA splicing suggest that this variant may create or strengthen a splice site, but this prediction has not been confirmed by published transcriptional studies. Algorithms developed to predict the effect of missense changes on protein structure and function output the following: SIFT: "Tolerated"; PolyPhen-2: "Benign"; Align-GVGD: "Class C0". The glutamine amino acid residue is found in multiple mammalian species, suggesting that this missense change does not adversely affect protein function. These predictions have not been confirmed by published functional studies and their clinical significance is uncertain. This variant has not been reported in the literature in individuals with MED25-related conditions. This sequence change replaces arginine with glutamine at codon 176 of the MED25 protein (p.Arg176Gln). The arginine residue is moderately conserved and there is a small physicochemical difference between arginine and glutamine.

NM_030973.4(MED25):c.527G>A (p.Arg176Gln)

Gene: MED25 (mediator complex subunit 25; plus strand). Cytogenetic location: 19q13.33.
Variant type: single nucleotide variant.
Coding change: c.527G>A on transcript NM_030973.4 (MANE Select); coding-DNA position 527, G replaced by A.
Protein change: p.Arg176Gln; replaces arginine 176 with glutamine.
Molecular consequence: missense variant.
Genome position (GRCh38, 1-based): chr19:49,829,787, G>A. VCF-style: chr19-49829787-G-A. GRCh37 (hg19) VCF-style: chr19-50333044-G-A.
Other names: c.527G>A, p.Arg176Gln (NM_001378355.1); short protein forms R176Q.
Identifiers: ClinVar variation 1052233 (VCV001052233.7), dbSNP rs1364981975, ClinGen allele CA406912869.